The following is an entry in ClinVar:

ClinVar aggregate classification (germline): Conflicting classifications of pathogenicity. Review status: criteria provided, conflicting classifications (1 of 4 stars). 2 submissions from 2 submitters: Uncertain significance (1); Likely benign (1). Last evaluated 2025-08-28.

Conditions:
Inborn genetic diseases. Identifiers: MedGen C0950123, MeSH D030342.

Allele frequency attached by ClinVar (database versions not stated): gnomAD 0.00012 and 0.00013; TOPMed 0.00015.
gnomAD v4.1: 26 of 1,057,232 alleles (0.0025%); highest among the groups gnomAD compares: African/African-American, 0.043%; no homozygotes.

Submissions (2):

Ambry Genetics
Classification: Uncertain significance for Inborn genetic diseases. Last evaluated: 2025-08-28. Review status: criteria provided, single submitter. Criteria: Ambry Variant Classification Scheme 2023. Collection method: clinical testing. Allele origin: germline.

GeneDx
Classification: Likely benign. Last evaluated: 2021-09-29. Review status: criteria provided, single submitter. Criteria: GeneDx Variant Classification Process June 2021. Collection method: clinical testing. Allele origin: germline. Affected: yes.
Comment: In silico analysis supports that this missense variant does not alter protein structure/function; Has not been previously published as pathogenic or benign to our knowledge

NM_007118.4(TRIO):c.6922A>G (p.Ser2308Gly)

Gene: TRIO (trio Rho guanine nucleotide exchange factor; plus strand). Cytogenetic location: 5p15.2.
Variant type: single nucleotide variant.
Coding change: c.6922A>G on transcript NM_007118.4 (MANE Select); coding-DNA position 6922, A replaced by G.
Protein change: p.Ser2308Gly; replaces serine 2308 with glycine.
Molecular consequence: missense variant. On other transcripts: non-coding transcript variant (1).
Genome position (GRCh38, 1-based): chr5:14,487,550, A>G. VCF-style: chr5-14487550-A-G. GRCh37 (hg19) VCF-style: chr5-14487659-A-G.
Other names: short protein forms S2308G.
Identifiers: ClinVar variation 1326650 (VCV001326650.5), dbSNP rs1460639961, ClinGen allele CA359236438.